The following is an entry in ClinVar:

NM_152383.5(DIS3L2):c.796G>T (p.Ala266Ser)

Gene: DIS3L2 (DIS3 like 3'-5' exoribonuclease 2; plus strand). Cytogenetic location: 2q37.1.
Variant type: single nucleotide variant.
Coding change: c.796G>T on transcript NM_152383.5 (MANE Select); coding-DNA position 796, G replaced by T.
Protein change: p.Ala266Ser; replaces alanine 266 with serine.
Molecular consequence: missense variant. On other transcripts: non-coding transcript variant (1).
Genome position (GRCh38, 1-based): chr2:232,136,565, G>T. VCF-style: chr2-232136565-G-T. GRCh37 (hg19) VCF-style: chr2-233001275-G-T.
Other names: c.796G>T, p.Ala266Ser (NM_001257281.2); short protein forms A266S.
Identifiers: ClinVar variation 863187 (VCV000863187.11), dbSNP rs772470899, ClinGen allele CA2163954.

ClinVar aggregate classification (germline): Uncertain significance. Review status: criteria provided, multiple submitters, no conflicts (2 of 4 stars). 2 submissions from 2 submitters: Uncertain significance (2). Last evaluated 2022-11-09.

Conditions:
Perlman syndrome (PRLMNS). Identifiers: Orphanet 2849, MedGen C0796113, MONDO:0009965, OMIM 267000.

Allele frequency attached by ClinVar (database versions not stated): TOPMed 0.00001.
gnomAD v4.1: 1 of 1,613,850 alleles (0.000062%); no homozygotes.

Submissions (2):

Labcorp Genetics (formerly Invitae), Labcorp
Classification: Uncertain significance for Perlman syndrome. Last evaluated: 2022-11-09. Review status: criteria provided, single submitter. Criteria: Invitae Variant Classification Sherloc (09022015). Collection method: clinical testing. Allele origin: germline.
Comment: This sequence change replaces alanine, which is neutral and non-polar, with serine, which is neutral and polar, at codon 266 of the DIS3L2 protein (p.Ala266Ser). This variant is present in population databases (rs772470899, gnomAD 0.0009%). This variant has not been reported in the literature in individuals affected with DIS3L2-related conditions. ClinVar contains an entry for this variant (Variation ID: 863187). Advanced modeling of protein sequence and biophysical properties (such as structural, functional, and spatial information, amino acid conservation, physicochemical variation, residue mobility, and thermodynamic stability) has been performed at Invitae for this missense variant, however the output from this modeling did not meet the statistical confidence thresholds required to predict the impact of this variant on DIS3L2 protein function. Algorithms developed to predict the effect of sequence changes on RNA splicing suggest that this variant may create or strengthen a splice site. In summary, the available evidence is currently insufficient to determine the role of this variant in disease. Therefore, it has been classified as a Variant of Uncertain Significance.

GeneDx
Classification: Uncertain significance. Last evaluated: 2022-04-26. Review status: criteria provided, single submitter. Criteria: GeneDx Variant Classification Process June 2021. Collection method: clinical testing. Allele origin: germline. Affected: yes.
Comment: Not observed at significant frequency in large population cohorts (gnomAD); In silico analysis supports that this missense variant does not alter protein structure/function; Has not been previously published as pathogenic or benign to our knowledge; In silico analysis, which includes splice predictors and evolutionary conservation, suggests this variant may impact gene splicing. In the absence of RNA/functional studies, the actual effect of this sequence change is unknown.